The following is an entry in ClinVar:

NM_022081.6(HPS4):c.630C>T (p.Thr210=)

Gene: HPS4 (HPS4 biogenesis of lysosomal organelles complex 3 subunit 2; minus strand). Cytogenetic location: 22q12.1.
Variant type: single nucleotide variant.
Coding change: c.630C>T on transcript NM_022081.6 (MANE Select); coding-DNA position 630, C replaced by T.
Protein change: p.Thr210=; no amino-acid change (threonine 210 retained).
Molecular consequence: synonymous variant. On other transcripts: non-coding transcript variant (8).
Genome position (GRCh38, 1-based): chr22:26,468,590, G>A on the plus strand (C>T on the coding strand, the complement: HPS4 is on the minus strand). VCF-style: chr22-26468590-G-A. GRCh37 (hg19) VCF-style: chr22-26864556-G-A.
Other names: c.630C>T, p.Thr210= (NM_001349896.1, NM_001349898.2, NM_001349899.2 and 7 more transcripts); c.615C>T, p.Thr205= (NM_152841.2).
Identifiers: ClinVar variation 1940146 (VCV001940146.6), dbSNP rs778366926, ClinGen allele CA322851208.

ClinVar aggregate classification (germline): Likely benign. Review status: criteria provided, multiple submitters, no conflicts (2 of 4 stars). 2 submissions from 2 submitters: Likely benign (2). Last evaluated 2026-03-20.

Conditions:
HPS4-related disorder. Also called: HPS4-related condition.

Allele frequency attached by ClinVar (database versions not stated): gnomAD 0.00003; TOPMed 0.00003; gnomAD exomes 0.00004.
gnomAD v4.1: 69 of 1,614,024 alleles (0.0043%); highest among the groups gnomAD compares: Admixed American, 0.0083%; no homozygotes.

Submissions (2):

PreventionGenetics, part of Exact Sciences
Classification: Likely benign for HPS4-related condition. Last evaluated: 2026-03-20. Review status: criteria provided, single submitter. Criteria: ACMG Guidelines, 2015. Collection method: clinical testing. Allele origin: germline.
Comment: This variant is classified as likely benign based on ACMG/AMP sequence variant interpretation guidelines (Richards et al. 2015 PMID: 25741868, with internal and published modifications).

Labcorp Genetics (formerly Invitae), Labcorp
Classification: Likely benign. Last evaluated: 2025-06-19. Review status: criteria provided, single submitter. Criteria: Invitae Variant Classification Sherloc (09022015). Collection method: clinical testing. Allele origin: germline.